The following is an entry in ClinVar:

NM_015978.3(TNNI3K):c.921_932+34del

Genes: FPGT-TNNI3K (FPGT-TNNI3K readthrough; plus strand), TNNI3K (TNNI3 interacting kinase; plus strand). Cytogenetic location: 1p31.1.
Variant type: Deletion.
Coding change: c.921_932+34del on transcript NM_015978.3 (MANE Select); coding-DNA position 921 through 34 bases into the intron after coding-DNA position 932, 46 bases deleted.
Molecular consequence: splice donor variant.
Genome position (GRCh38, 1-based): chr1:74,343,168-74,343,213, 46 bases deleted; deleting any 46 consecutive bases within chr1:74,343,164-74,343,213 gives the same sequence; the c. name uses the placement nearest the transcript's 3' end. GRCh37 (hg19): chr1:74,808,852-74,808,897.
Other names: c.1224_1235+34del (NM_001112808.3, NM_001199327.2).
Identifiers: ClinVar variation 1510264 (VCV001510264.7), dbSNP rs1227624450, ClinGen allele CA418323585.

ClinVar aggregate classification (germline): Uncertain significance. Review status: criteria provided, multiple submitters, no conflicts (2 of 4 stars). 2 submissions from 2 submitters: Uncertain significance (2). Last evaluated 2026-01-21.

Submissions (2):

Labcorp Genetics (formerly Invitae), Labcorp
Classification: Uncertain significance. Last evaluated: 2026-01-21. Review status: criteria provided, single submitter. Criteria: Invitae Variant Classification Sherloc (09022015). Collection method: clinical testing. Allele origin: germline.
Comment: This variant results in the deletion of part of exon 9 (c.921_932+34del) of the TNNI3K gene. It is expected to disrupt RNA splicing. Variants that disrupt the donor or acceptor splice site typically lead to a loss of protein function (PMID: 16199547), however the current clinical and genetic evidence is not sufficient to establish whether loss-of-function variants in TNNI3K cause disease. This variant is present in population databases (no rsID available, gnomAD 0.003%). This variant has not been reported in the literature in individuals affected with TNNI3K-related conditions. ClinVar contains an entry for this variant (Variation ID: 1510264). In summary, the available evidence is currently insufficient to determine the role of this variant in disease. Therefore, it has been classified as a Variant of Uncertain Significance.

Blueprint Genetics
Classification: Uncertain significance. Last evaluated: 2024-10-29. Review status: criteria provided, single submitter. Criteria: ACMG Guidelines, 2015. Collection method: clinical testing. Allele origin: germline.

Literature cited by the submitters: PubMed 16199547 (cited by Labcorp Genetics (formerly Invitae), Labcorp).